The following is an entry in ClinVar:

NM_001165963.4(SCN1A):c.1175T>G (p.Leu392Ter)

Gene: SCN1A (sodium voltage-gated channel alpha subunit 1; minus strand). Cytogenetic location: 2q24.3.
Variant type: single nucleotide variant.
Coding change: c.1175T>G on transcript NM_001165963.4 (MANE Select); coding-DNA position 1175, T replaced by G.
Protein change: p.Leu392Ter; replaces leucine 392 with a stop codon.
Molecular consequence: nonsense. On other transcripts: 5 prime UTR variant (1), non-coding transcript variant (1).
Genome position (GRCh38, 1-based): chr2:166,046,972, A>C on the plus strand (T>G on the coding strand, the complement: SCN1A is on the minus strand). VCF-style: chr2-166046972-A-C. GRCh37 (hg19) VCF-style: chr2-166903482-A-C.
Other names: c.1175T>G, p.Leu392Ter (NM_001165964.3, NM_001202435.3, NM_001353948.2 and 10 more transcripts); c.-1251T>G (NM_001353961.2); short protein forms L392*.
Identifiers: ClinVar variation 2780011 (VCV002780011.3), dbSNP rs2105862926, ClinGen allele CA349071042.
Genomic context (GRCh38, chr2:166,046,972, plus strand): 5'-AATGAGCCCAAGAAAATGACCAATACAAAAAATATCATGTACGTTTTCCCAGCAGCACGT[A>C]ATGTCTGCAAACAAAAATATCAGAATTATTTCTCAATATTATTTCACTAAGTGGTGGCTT-3'

ClinVar aggregate classification (germline): Pathogenic (1 of 4 stars; one submission).

Conditions:
Early-infantile DEE. Also called: Ohtahara syndrome; Early infantile epileptic encephalopathy; Early infantile epileptic encephalopathy with suppression bursts. Identifiers: Orphanet 1934, MedGen C0393706, MONDO:0800491.

Submission:

Labcorp Genetics (formerly Invitae), Labcorp
Classification: Pathogenic for Early-infantile DEE. Last evaluated: 2023-11-24. Review status: criteria provided, single submitter. Criteria: Invitae Variant Classification Sherloc (09022015). Collection method: clinical testing. Allele origin: germline.
Comment: This sequence change creates a premature translational stop signal (p.Leu392*) in the SCN1A gene. It is expected to result in an absent or disrupted protein product. Loss-of-function variants in SCN1A are known to be pathogenic (PMID: 17347258, 18930999). This variant is not present in population databases (gnomAD no frequency). This premature translational stop signal has been observed in individual(s) with status epilepticus (PMID: 33278787). For these reasons, this variant has been classified as Pathogenic.

Literature cited by the submitters: PubMed 17347258; PubMed 18930999; PubMed 33278787.